The following is an entry in ClinVar:

ClinVar aggregate classification (germline): Conflicting classifications of pathogenicity. Review status: criteria provided, conflicting classifications (1 of 4 stars). 2 submissions from 2 submitters: Uncertain significance (1); Likely benign (1). Last evaluated 2026-01-28.

Conditions:
Gastrointestinal stromal tumor. Also called: Gastrointestinal stromal tumor, somatic; Gastrointestinal stroma tumor. Identifiers: Orphanet 44890, MedGen C0238198, MeSH D046152, MONDO:0011719, OMIM 606764, HP:0100723.
Hereditary cancer-predisposing syndrome. Also called: Neoplastic Syndromes, Hereditary; Tumor predisposition; Hereditary Cancer Syndrome; Hereditary neoplastic syndrome. Identifiers: Orphanet 140162, MedGen C0027672, MeSH D009386, MONDO:0015356.

gnomAD v4.1: 1 of 1,614,154 alleles (0.000062%); highest among the groups gnomAD compares: East Asian, 0.0022%; no homozygotes.

Submissions (2):

Labcorp Genetics (formerly Invitae), Labcorp
Classification: Uncertain significance for Gastrointestinal stromal tumor. Last evaluated: 2026-01-28. Review status: criteria provided, single submitter. Criteria: Invitae Variant Classification Sherloc (09022015). Collection method: clinical testing. Allele origin: germline.
Comment: This sequence change replaces isoleucine, which is neutral and non-polar, with leucine, which is neutral and non-polar, at codon 539 of the KIT protein (p.Ile539Leu). This variant is not present in population databases (gnomAD no frequency). This variant has not been reported in the literature in individuals affected with KIT-related conditions. ClinVar contains an entry for this variant (Variation ID: 841796). An algorithm developed to predict the effect of missense changes on protein structure and function (PolyPhen-2) suggests that this variant is likely to be tolerated. In summary, the available evidence is currently insufficient to determine the role of this variant in disease. Therefore, it has been classified as a Variant of Uncertain Significance.

Ambry Genetics
Classification: Likely benign for Hereditary cancer-predisposing syndrome. Last evaluated: 2025-01-28. Review status: criteria provided, single submitter. Criteria: Ambry Variant Classification Scheme 2023. Collection method: clinical testing. Allele origin: germline.

NM_000222.3(KIT):c.1615A>C (p.Ile539Leu)

Gene: KIT (KIT proto-oncogene, receptor tyrosine kinase; plus strand). Cytogenetic location: 4q12.
Variant type: single nucleotide variant.
Coding change: c.1615A>C on transcript NM_000222.3 (MANE Select); coding-DNA position 1615, A replaced by C.
Protein change: p.Ile539Leu; replaces isoleucine 539 with leucine.
Molecular consequence: missense variant.
Genome position (GRCh38, 1-based): chr4:54,727,292, A>C. VCF-style: chr4-54727292-A-C. GRCh37 (hg19) VCF-style: chr4-55593458-A-C.
Other names: c.1603A>C, p.Ile535Leu (NM_001093772.2, NM_001385286.1); c.1618A>C, p.Ile540Leu (NM_001385284.1, NM_001385290.1); c.1615A>C, p.Ile539Leu (NM_001385285.1); c.1606A>C, p.Ile536Leu (NM_001385288.1, NM_001385292.1); short protein forms I535L, I539L, I536L, I540L.
Identifiers: ClinVar variation 841796 (VCV000841796.9), dbSNP rs1476093811, ClinGen allele CA356907329.